The following is an entry in ClinVar:

NM_006015.6(ARID1A):c.6400C>G (p.Leu2134Val)

Gene: ARID1A (AT-rich interaction domain 1A; plus strand). Cytogenetic location: 1p36.11.
Variant type: single nucleotide variant.
Coding change: c.6400C>G on transcript NM_006015.6 (MANE Select); coding-DNA position 6400, C replaced by G.
Protein change: p.Leu2134Val; replaces leucine 2134 with valine.
Molecular consequence: missense variant.
Genome position (GRCh38, 1-based): chr1:26,780,298, C>G. VCF-style: chr1-26780298-C-G. GRCh37 (hg19) VCF-style: chr1-27106789-C-G.
Other names: c.6400C>G (LRG_875t1); c.5749C>G, p.Leu1917Val (NM_139135.4); short protein forms L2134V, L1917V.
Identifiers: ClinVar variation 546575 (VCV000546575.2), dbSNP rs1553153770, ClinGen allele CA339192201.

ClinVar aggregate classification (germline): Likely pathogenic (1 of 4 stars; one submission).

Submission:

GeneDx
Classification: Likely pathogenic. Last evaluated: 2018-06-01. Review status: criteria provided, single submitter. Criteria: GeneDx Variant Classification (06012015). Collection method: clinical testing. Allele origin: germline. Affected: yes.
Comment: The L2134V variant has not been published as a pathogenic variant, nor has it been reported as a benign variant to our knowledge. The L2134V variant is not observed in large population cohorts (Lek et al., 2016). In-silico analyses, including protein predictors and evolutionary conservation, support a deleterious effect. However, the L2134V variant is a conservative amino acid substitution, which is not likely to impact secondary protein structure as these residues share similar properties. Therefore, this variant is likely pathogenic; however, the possibility that it is benign cannot be excluded.